The following is an entry in ClinVar:

NM_001122769.3(LCA5):c.574dup (p.Thr192fs)

Gene: LCA5 (lebercilin LCA5; minus strand). Cytogenetic location: 6q14.1.
Variant type: Duplication.
Coding change: c.574dup on transcript NM_001122769.3 (MANE Select); coding-DNA position 574, one base duplicated (A; older notation c.574dupA).
Protein change: p.Thr192fs; shifts the reading frame from threonine 192.
Molecular consequence: frameshift variant.
Genome position (GRCh38, 1-based): chr6:79,513,358, T duplicated on the plus strand (A on the coding strand, the reverse complement: LCA5 is on the minus strand). VCF-style (leftmost placement, unchanged base first): chr6-79513357-G-GT. GRCh37 (hg19) VCF-style: chr6-80223074-G-GT.
Other names: c.574dup, p.Thr192fs (NM_181714.4); short protein forms T192fs.
Identifiers: ClinVar variation 374516 (VCV000374516.47), dbSNP rs1057519136, ClinGen allele CA16043775.

ClinVar aggregate classification (germline): Pathogenic/Likely pathogenic. Review status: criteria provided, multiple submitters, no conflicts (2 of 4 stars). 3 submissions from 3 submitters: Pathogenic (1); Likely pathogenic (1). 1 of the submissions does not count toward it. Last evaluated 2023-04-23.

Conditions:
Leber congenital amaurosis 5 (LCA5). Also called: Amaurosis congenita of Leber, type 5. Identifiers: Orphanet 65, MedGen C1858301, MONDO:0011473, OMIM 604537.

Submissions (3):

Labcorp Genetics (formerly Invitae), Labcorp
Classification: Pathogenic. Last evaluated: 2023-04-23. Review status: criteria provided, single submitter. Criteria: Invitae Variant Classification Sherloc (09022015). Collection method: clinical testing. Allele origin: germline.
Comment: For these reasons, this variant has been classified as Pathogenic. ClinVar contains an entry for this variant (Variation ID: 374516). This variant has not been reported in the literature in individuals affected with LCA5-related conditions. This variant is not present in population databases (gnomAD no frequency). This sequence change creates a premature translational stop signal (p.Thr192Asnfs*4) in the LCA5 gene. It is expected to result in an absent or disrupted protein product. Loss-of-function variants in LCA5 are known to be pathogenic (PMID: 17546029, 23946133).

CeGaT Center for Human Genetics Tuebingen
Classification: Likely pathogenic. Last evaluated: 2016-08-01. Review status: criteria provided, single submitter. Criteria: CeGaT Center For Human Genetics Tuebingen Variant Classification Criteria Version 2. Collection method: clinical testing. Allele origin: germline. Affected: yes. Observed: 1 variant allele.

Laboratory of Genetics in Ophthalmology, Institut Imagine
Classification: Pathogenic for Leber congenital amaurosis 5. Review status: no assertion criteria provided. Collection method: research. Allele origin: inherited. Affected: yes. Observed: 1 variant allele. Not counted in ClinVar's aggregate classification.

Literature cited by the submitters: PubMed 17546029 (cited by Labcorp Genetics (formerly Invitae), Labcorp); PubMed 23946133 (cited by Labcorp Genetics (formerly Invitae), Labcorp).